The following is an entry in ClinVar:

ClinVar aggregate classification (germline): Likely pathogenic (1 of 4 stars; one submission).

Conditions:
Cystinosis. Also called: Cystine diathesis; Cystine storage disease; Cystinoses. Identifiers: Orphanet 213, MedGen C4316899, MONDO:0016239.

Submission:

Natera, Inc.
Classification: Likely pathogenic for Cystinosis. Last evaluated: 2025-03-20. Review status: criteria provided, single submitter. Criteria: Natera Variant Classification Schema (03/2026). Collection method: clinical testing. Allele origin: germline.
Comment: The c.456delG variant in CTNS is a frameshift variant predicted to shift the reading frame beginning at codon 154 and leads to a stop codon 5 codons downstream. This variant is expected to result in nonsense mediated decay, truncation, or a dysfunctional protein product. This variant is rare in the general population with a frequency below the threshold expected for the associated phenotype(s). Given the available evidence, this variant is classified as Likely Pathogenic.

NM_004937.3(CTNS):c.456del (p.Ser154fs)

Genes: CTNS-AS1 (CTNS antisense RNA 1; minus strand), CTNS (cystinosin, lysosomal cystine transporter; plus strand). Cytogenetic location: 17p13.2.
Variant type: Deletion.
Coding change: c.456del on transcript NM_004937.3 (MANE Select); coding-DNA position 456, one base deleted (G; older notation c.456delG).
Protein change: p.Ser154fs; shifts the reading frame from serine 154.
Molecular consequence: frameshift variant.
Genome position (GRCh38, 1-based): chr17:3,655,347, G deleted; the last of 2 consecutive G bases (chr17:3,655,346-3,655,347); deleting either gives the same sequence. VCF-style (leftmost placement, unchanged base first): chr17-3655345-CG-C. GRCh37 (hg19) VCF-style: chr17-3558639-CG-C.
Other names: c.456del, p.Ser154fs (NM_001031681.3, NM_001374492.1); c.15del, p.Ser7fs (NM_001374493.1, NM_001374494.1, NM_001374495.1 and 1 more transcripts); short protein forms S7fs, S154fs.
Identifiers: ClinVar variation 4815397 (VCV004815397.1).